The following is an entry in ClinVar:

NM_000060.4:c.334G>C

Variant type: single nucleotide variant.
Other names: c.334G>C (NM_000060.4).
Identifiers: ClinVar variation 4816011 (VCV004816011.1).

ClinVar aggregate classification (germline): Likely pathogenic (1 of 4 stars; one submission).

Conditions:
Biotinidase deficiency. Also called: BTD deficiency; Late-onset biotin-responsive multiple carboxylase deficiency; Biotin deficiency. Identifiers: Orphanet 79241, MedGen C0220754, MONDO:0009665, OMIM 253260.

Submission:

Natera, Inc.
Classification: Likely pathogenic for Biotinidase deficiency. Last evaluated: 2024-04-15. Review status: criteria provided, single submitter. Criteria: Natera Variant Classification Schema (03/2026). Collection method: clinical testing. Allele origin: germline.
Comment: The c.334G>C variant in BTD is a missense variant predicted to cause substitution of glutamic acid to glutamine at amino acid 112. This variant is rare in the general population with a frequency below the threshold expected for the associated phenotype(s). This variant has been observed in one or more individuals affected with the associated recessive disease, as either homozygous or compound heterozygous with a second variant (PMID: 9396567). Additionally, this variant has been observed to segregate in affected family members (PMID: 9396567). A different variant at the same position has been determined to be Pathogenic or Likely Pathogenic. Computational prediction algorithms indicate this variant is likely to affect gene or protein function. Given the available evidence, this variant is classified as Likely Pathogenic.

Literature cited by the submitters: PubMed 9396567.